The following is an entry in ClinVar:

ClinVar aggregate classification (germline): Pathogenic/Likely pathogenic. Review status: criteria provided, multiple submitters, no conflicts (2 of 4 stars). 2 submissions from 2 submitters: Pathogenic (1); Likely pathogenic (1). Last evaluated 2024-06-07.

Conditions:
Mucopolysaccharidosis, MPS-II (MPS2). Also called: Hunter Syndrome; Mucopolysaccharidosis with skin involvement; Mucopolysaccharidosis type 2; IDURONATE 2-SULFATASE DEFICIENCY; Mucopolysaccharidosis Type II; IDS deficiency. Identifiers: Orphanet 580, Orphanet 79388, MedGen C0026705, MONDO:0010674, OMIM 309900.

Submissions (2):

Laboratory of Diagnosis and Therapy of Lysosomal Disorders, University of Padova
Classification: Likely pathogenic for Mucopolysaccharidosis, MPS-II. Last evaluated: 2024-06-07. Review status: criteria provided, single submitter. Criteria: ACMG Guidelines, 2015. Collection method: literature only. Allele origin: germline. Affected: yes. Observed: 2 variant alleles.
Comment: Absent from controls (or at low frequency) in gnomAD database (PM2_Moderate), Missense variant in a gene with a low rate of benign missense variation (PP2_Supporting), Multiple lines of computational evidence support a deleterious effect (PP3_Supporting), Patient’s phenotype or family history highly specific for the disease (PP4_Moderate)

Classification method: ACMG Guidelines [PMID:25741868] with modifications

IIFP, CONICET-UNLP
Classification: Pathogenic for Mucopolysaccharidosis, MPS-II. Last evaluated: 2011-11-21. Review status: criteria provided, single submitter. Criteria: ACMG Guidelines, 2007. Collection method: research. Allele origin: maternal. Inheritance: X-linked inheritance. Affected: yes. Observed: 2 variant alleles.

Literature cited by the submitters: PubMed 27896113 (cited by Laboratory of Diagnosis and Therapy of Lysosomal Disorders, University of Padova); DOI 10.1016/j.ymgmr.2014.08.006 (cited by IIFP, CONICET-UNLP).

NM_000202.8(IDS):c.683C>A (p.Pro228Gln)

Genes: IDS (iduronate 2-sulfatase; minus strand), LOC106050102 (IDS recombination region; plus strand). Cytogenetic location: Xq28.
Variant type: single nucleotide variant.
Coding change: c.683C>A on transcript NM_000202.8 (MANE Select); coding-DNA position 683, C replaced by A.
Protein change: p.Pro228Gln; replaces proline 228 with glutamine.
Molecular consequence: missense variant. On other transcripts: non-coding transcript variant (1).
Genome position (GRCh38, 1-based): chrX:149,498,132, G>T on the plus strand (C>A on the coding strand, the complement: IDS is on the minus strand). VCF-style: chrX-149498132-G-T. GRCh37 (hg19) VCF-style: chrX-148579663-G-T.
Other names: c.413C>A, p.Pro138Gln (NM_001166550.4); c.683C>A, p.Pro228Gln (NM_006123.5); short protein forms P228Q, P138Q.
Identifiers: ClinVar variation 221211 (VCV000221211.4), dbSNP rs113993945, ClinGen allele CA349949.